The following is an entry in ClinVar:

ClinVar aggregate classification (germline): Uncertain significance (1 of 4 stars; one submission).

Conditions:
Deficiency of adenosine deaminase 2. Also called: Adenosine Deaminase 2 Deficiency; VASCULITIS, AUTOINFLAMMATION, IMMUNODEFICIENCY, AND HEMATOLOGIC DEFECTS SYNDROME; Polyarteritis nodosa, childhoood-onset. Identifiers: Orphanet 404553, MedGen C3887654, MONDO:0014306, OMIM 615688, MONDO:0100317.

Submission:

Labcorp Genetics (formerly Invitae), Labcorp
Classification: Uncertain significance for Deficiency of adenosine deaminase 2. Last evaluated: 2025-08-11. Review status: criteria provided, single submitter. Criteria: Invitae Variant Classification Sherloc (09022015). Collection method: clinical testing. Allele origin: germline.
Comment: This sequence change replaces proline, which is neutral and non-polar, with arginine, which is basic and polar, at codon 443 of the ADA2 protein (p.Pro443Arg). This variant is not present in population databases (gnomAD no frequency). This variant has not been reported in the literature in individuals affected with ADA2-related conditions. Invitae Evidence Modeling of protein sequence and biophysical properties (such as structural, functional, and spatial information, amino acid conservation, physicochemical variation, residue mobility, and thermodynamic stability) has been performed for this missense variant. However, the output from this modeling did not meet the statistical confidence thresholds required to predict the impact of this variant on ADA2 protein function. In summary, the available evidence is currently insufficient to determine the role of this variant in disease. Therefore, it has been classified as a Variant of Uncertain Significance.

NM_001282225.2(ADA2):c.1328C>G (p.Pro443Arg)

Gene: ADA2 (adenosine deaminase 2; minus strand). Cytogenetic location: 22q11.1.
Variant type: single nucleotide variant.
Coding change: c.1328C>G on transcript NM_001282225.2 (MANE Select); coding-DNA position 1328, C replaced by G.
Protein change: p.Pro443Arg; replaces proline 443 with arginine.
Molecular consequence: missense variant.
Genome position (GRCh38, 1-based): chr22:17,181,934, G>C on the plus strand (C>G on the coding strand, the complement: ADA2 is on the minus strand). VCF-style: chr22-17181934-G-C. GRCh37 (hg19) VCF-style: chr22-17662824-G-C.
Other names: c.1328C>G, p.Pro443Arg (NM_001282226.2); c.1202C>G, p.Pro401Arg (NM_001282227.2, NM_001282228.2); c.968C>G, p.Pro323Arg (NM_001282229.2); c.605C>G, p.Pro202Arg (NM_177405.3); short protein forms P401R, P202R, P323R, P443R.
Identifiers: ClinVar variation 4698505 (VCV004698505.1).